The following is an entry in ClinVar:

ClinVar aggregate classification (germline): Uncertain significance (1 of 4 stars; one submission).

gnomAD v4.1: 1 of 1,614,192 alleles (0.000062%); highest among the groups gnomAD compares: Non-Finnish European, 0.000085%; no homozygotes.

Submission:

Labcorp Genetics (formerly Invitae), Labcorp
Classification: Uncertain significance. Last evaluated: 2024-09-16. Review status: criteria provided, single submitter. Criteria: Invitae Variant Classification Sherloc (09022015). Collection method: clinical testing. Allele origin: germline.
Comment: This sequence change replaces valine, which is neutral and non-polar, with leucine, which is neutral and non-polar, at codon 36 of the JAK1 protein (p.Val36Leu). This variant is not present in population databases (gnomAD no frequency). This variant has not been reported in the literature in individuals affected with JAK1-related conditions. An algorithm developed to predict the effect of missense changes on protein structure and function outputs the following: PolyPhen-2: "Benign". The leucine amino acid residue is found in multiple mammalian species, which suggests that this missense change does not adversely affect protein function. In summary, the available evidence is currently insufficient to determine the role of this variant in disease. Therefore, it has been classified as a Variant of Uncertain Significance.

NM_002227.4(JAK1):c.106G>C (p.Val36Leu)

Genes: JAK1 (Janus kinase 1; minus strand), LOC129930680 (ATAC-STARR-seq lymphoblastoid active region 1132; plus strand). Cytogenetic location: 1p31.3.
Variant type: single nucleotide variant.
Coding change: c.106G>C on transcript NM_002227.4 (MANE Select); coding-DNA position 106, G replaced by C.
Protein change: p.Val36Leu; replaces valine 36 with leucine.
Molecular consequence: missense variant.
Genome position (GRCh38, 1-based): chr1:64,883,376, C>G on the plus strand (G>C on the coding strand, the complement: JAK1 is on the minus strand). VCF-style: chr1-64883376-C-G. GRCh37 (hg19) VCF-style: chr1-65349059-C-G.
Other names: c.106G>C, p.Val36Leu (NM_001320923.2, NM_001321852.2, NM_001321853.2 and 4 more transcripts); short protein forms V36L.
Identifiers: ClinVar variation 3656873 (VCV003656873.2).